The following is an entry in ClinVar:

ClinVar aggregate classification (germline): Pathogenic (1 of 4 stars; one submission).

Conditions:
Marfan syndrome (MFS). Also called: MARFAN SYNDROME, TYPE I; Marfan syndrome type 1; Marfan's syndrome; Marfan syndrome, classic; FBN1-Related Marfan Syndrome. Identifiers: Orphanet 284963, Orphanet 558, MedGen C0024796, MONDO:0007947, OMIM 154700.
Familial thoracic aortic aneurysm and aortic dissection (TAAD). Also called: Thoracic aortic aneurysms and dissections. Identifiers: Orphanet 91387, MedGen C4707243, MONDO:0019625.

Submission:

Labcorp Genetics (formerly Invitae), Labcorp
Classification: Pathogenic for Marfan syndrome; Familial thoracic aortic aneurysm and aortic dissection. Last evaluated: 2022-12-24. Review status: criteria provided, single submitter. Criteria: Invitae Variant Classification Sherloc (09022015). Collection method: clinical testing. Allele origin: germline.
Comment: For these reasons, this variant has been classified as Pathogenic. This variant has not been reported in the literature in individuals affected with FBN1-related conditions. This variant is not present in population databases (gnomAD no frequency). This sequence change creates a premature translational stop signal (p.Glu2260Aspfs*30) in the FBN1 gene. It is expected to result in an absent or disrupted protein product. Loss-of-function variants in FBN1 are known to be pathogenic (PMID: 17657824, 19293843).

Literature cited by the submitters: PubMed 17657824; PubMed 19293843.

NM_000138.5(FBN1):c.6780_6783del (p.Glu2260fs)

Gene: FBN1 (fibrillin 1; minus strand). Cytogenetic location: 15q21.1.
Variant type: Deletion.
Coding change: c.6780_6783del on transcript NM_000138.5 (MANE Select); coding-DNA positions 6780 to 6783, 4 bases deleted (AAAA; older notation c.6780_6783delAAAA).
Protein change: p.Glu2260fs; shifts the reading frame from glutamic acid 2260.
Molecular consequence: frameshift variant.
Genome position (GRCh38, 1-based): chr15:48,430,759-48,430,762, TTTT deleted on the plus strand (AAAA on the coding strand, the reverse complement: FBN1 is on the minus strand); deleting any 4 consecutive bases within chr15:48,430,759-48,430,763 gives the same sequence; the c. name uses the placement nearest the transcript's 3' end. VCF-style (leftmost placement, unchanged base first): chr15-48430758-GTTTT-G. GRCh37 (hg19) VCF-style: chr15-48722955-GTTTT-G.
Other names: c.6780_6783del, p.Glu2260fs (NM_001406716.1); short protein forms E2260fs.
Identifiers: ClinVar variation 2942657 (VCV002942657.3), dbSNP rs2141232621, ClinGen allele CA2740096571.
Genomic context (GRCh38, chr15:48,430,758, plus strand): 5'-GCTGATACCCGGGTCCACAGATGCACATATATGTGCCAATGAGGTTCTTGCATTCCATTT[GTTTT>G]TCAGTACAGTCATGTTTTCCCTCTTCACACTCATCCTCATCTGTAAAAAATGTACAATCA-3'